The following is an entry in ClinVar:

NM_022369.4(STRA6):c.1871T>C (p.Met624Thr)

Gene: STRA6 (signaling receptor and transporter of retinol STRA6; minus strand). Cytogenetic location: 15q24.1.
Variant type: single nucleotide variant.
Coding change: c.1871T>C on transcript NM_022369.4 (MANE Select); coding-DNA position 1871, T replaced by C.
Protein change: p.Met624Thr; replaces methionine 624 with threonine.
Molecular consequence: missense variant.
Genome position (GRCh38, 1-based): chr15:74,180,213, A>G on the plus strand (T>C on the coding strand, the complement: STRA6 is on the minus strand). VCF-style: chr15-74180213-A-G. GRCh37 (hg19) VCF-style: chr15-74472554-A-G.
Other names: c.1871T>C, p.Met624Thr (NM_001142617.2, NM_001142618.2); c.1844T>C, p.Met615Thr (NM_001142619.2); c.1982T>C, p.Met661Thr (NM_001199040.2); c.1916T>C, p.Met639Thr (NM_001199041.2); c.1988T>C, p.Met663Thr (NM_001199042.2); short protein forms M615T, M639T, M661T, M624T, M663T.
Identifiers: ClinVar variation 936557 (VCV000936557.11), dbSNP rs747368136, ClinGen allele CA7654402.

ClinVar aggregate classification (germline): Uncertain significance. Review status: criteria provided, multiple submitters, no conflicts (2 of 4 stars). 2 submissions from 2 submitters: Uncertain significance (2). Last evaluated 2023-10-06.

Conditions:
Inborn genetic diseases. Identifiers: MedGen C0950123, MeSH D030342.
Microphthalmia, syndromic 9. Also called: ANOPHTHALMIA/MICROPHTHALMIA AND PULMONARY HYPOPLASIA; ANOPHTHALMIA, CLINICAL, WITH MILD FACIAL DYSMORPHISM AND VARIABLE MALFORMATIONS OF THE LUNG, HEART, AND DIAPHRAGM; PULMONARY AGENESIS, MICROPHTHALMIA, AND DIAPHRAGMATIC DEFECT; SPEAR SYNDROME; Matthew-Wood syndrome. Identifiers: Orphanet 2470, MedGen C1832661, MONDO:0011010, OMIM 601186.

Allele frequency attached by ClinVar (database versions not stated): TOPMed below 0.00001.
gnomAD v4.1: 5 of 1,614,100 alleles (0.00031%); highest among the groups gnomAD compares: East Asian, 0.011%; no homozygotes.

Submissions (2):

Ambry Genetics
Classification: Uncertain significance for Inborn genetic diseases. Last evaluated: 2023-10-06. Review status: criteria provided, single submitter. Criteria: Ambry Variant Classification Scheme 2023. Collection method: clinical testing. Allele origin: germline.

Labcorp Genetics (formerly Invitae), Labcorp
Classification: Uncertain significance for Microphthalmia, syndromic 9. Last evaluated: 2019-08-30. Review status: criteria provided, single submitter. Criteria: Invitae Variant Classification Sherloc (09022015). Collection method: clinical testing. Allele origin: germline.
Comment: This sequence change replaces methionine with threonine at codon 624 of the STRA6 protein (p.Met624Thr). The methionine residue is weakly conserved and there is a moderate physicochemical difference between methionine and threonine. This variant is present in population databases (rs747368136, ExAC 0.01%). This variant has not been reported in the literature in individuals with STRA6-related conditions. Algorithms developed to predict the effect of missense changes on protein structure and function output the following: SIFT: "Tolerated"; PolyPhen-2: "Benign"; Align-GVGD: "Class C0". The threonine amino acid residue is found in multiple mammalian species, suggesting that this missense change does not adversely affect protein function. These predictions have not been confirmed by published functional studies and their clinical significance is uncertain. In summary, the available evidence is currently insufficient to determine the role of this variant in disease. Therefore, it has been classified as a Variant of Uncertain Significance.